The following is an entry in ClinVar:

ClinVar aggregate classification (germline): Uncertain significance (1 of 4 stars; one submission).

Conditions:
Hereditary cancer-predisposing syndrome. Also called: Neoplastic Syndromes, Hereditary; Tumor predisposition; Hereditary Cancer Syndrome; Hereditary neoplastic syndrome. Identifiers: Orphanet 140162, MedGen C0027672, MeSH D009386, MONDO:0015356.

Submission:

Ambry Genetics
Classification: Uncertain significance for Hereditary cancer-predisposing syndrome. Last evaluated: 2025-11-24. Review status: criteria provided, single submitter. Criteria: Ambry Variant Classification Scheme 2023. Collection method: clinical testing. Allele origin: germline.
Comment: The p.A608D variant (also known as c.1823C>A), located in coding exon 11 of the PMS2 gene, results from a C to A substitution at nucleotide position 1823. The alanine at codon 608 is replaced by aspartic acid, an amino acid with dissimilar properties. This amino acid position is conserved. In addition, the in silico prediction for this alteration is inconclusive. Based on the available evidence, the clinical significance of this variant remains unclear.

NM_000535.7(PMS2):c.1823C>A (p.Ala608Asp)

Gene: PMS2 (PMS1 homolog 2, mismatch repair system component; minus strand). Cytogenetic location: 7p22.1.
Variant type: single nucleotide variant.
Coding change: c.1823C>A on transcript NM_000535.7 (MANE Select); coding-DNA position 1823, C replaced by A.
Protein change: p.Ala608Asp; replaces alanine 608 with aspartic acid.
Molecular consequence: missense variant. On other transcripts: non-coding transcript variant (1), intron variant (1).
Genome position (GRCh38, 1-based): chr7:5,986,942, G>T on the plus strand (C>A on the coding strand, the complement: PMS2 is on the minus strand). VCF-style: chr7-5986942-G-T. GRCh37 (hg19) VCF-style: chr7-6026573-G-T.
Other names: c.1418C>A, p.Ala473Asp (NM_001322003.2, NM_001322004.2, NM_001322005.2 and 16 more transcripts); c.1667C>A, p.Ala556Asp (NM_001322006.2, NM_001406870.1); c.1505C>A, p.Ala502Asp (NM_001322007.2, NM_001322008.2, NM_001406876.1 and 2 more transcripts); c.1262C>A, p.Ala421Asp (NM_001322010.2, NM_001406906.1, NM_001406907.1); c.890C>A, p.Ala297Asp (NM_001322011.2, NM_001322012.2); c.1250C>A, p.Ala417Asp (NM_001322013.2, NM_001406909.1); c.1823C>A, p.Ala608Asp (NM_001322014.2, NM_001406871.1, NM_001406872.1); c.1514C>A, p.Ala505Asp (NM_001322015.2, NM_001406875.1, NM_001406877.1 and 5 more transcripts); and 13 more; short protein forms A417D, A450D, A473D, A486D, A496D, A297D, A437D, A616D.
Identifiers: ClinVar variation 4667686 (VCV004667686.1).